The following is an entry in ClinVar:

ClinVar aggregate classification (germline): Conflicting classifications of pathogenicity. Review status: criteria provided, conflicting classifications (1 of 4 stars). 2 submissions from 2 submitters: Uncertain significance (1); Likely benign (1). Last evaluated 2025-02-10.

Conditions:
Gorlin syndrome. Also called: Nevoid Basal Cell Carcinoma Syndrome; Basal cell nevus syndrome. Identifiers: Orphanet 377, MedGen C0004779, MONDO:0007187.
Hereditary cancer-predisposing syndrome. Also called: Hereditary neoplastic syndrome; Neoplastic Syndromes, Hereditary; Tumor predisposition; Hereditary Cancer Syndrome. Identifiers: Orphanet 140162, MedGen C0027672, MeSH D009386, MONDO:0015356.

Allele frequency attached by ClinVar (database versions not stated): gnomAD exomes below 0.00001.
gnomAD v4.1: 2 of 1,614,150 alleles (0.00012%); highest among the groups gnomAD compares: Middle Eastern, 0.016%; no homozygotes.

Submissions (2):

Ambry Genetics
Classification: Likely benign for Hereditary cancer-predisposing syndrome. Last evaluated: 2025-02-10. Review status: criteria provided, single submitter. Criteria: Ambry Variant Classification Scheme 2023. Collection method: clinical testing. Allele origin: germline.

Labcorp Genetics (formerly Invitae), Labcorp
Classification: Uncertain significance for Gorlin syndrome. Last evaluated: 2014-10-07. Review status: criteria provided, single submitter. Criteria: Invitae Variant Classification Sherloc (09022015). Collection method: clinical testing. Allele origin: germline.
Comment: This silent change is not expected to affect splicing, but this prediction has not been confirmed by published transcriptional studies. In summary, this is a novel silent change that is not predicted to affect splicing or cause disease. However the evidence is insufficient at this time to prove that conclusively. It has been classified as a Variant of Uncertain Significance. This sequence change affects codon 352 of the PTCH1 mRNA. It is a 'silent' change, meaning that it does not change the encoded amino acid sequence of the PTCH1 protein. This sequence change has not been published in the literature and is not present in population databases.

NM_000264.5(PTCH1):c.1056A>G (p.Gly352=)

Gene: PTCH1 (patched 1; minus strand). Cytogenetic location: 9q22.32.
Variant type: single nucleotide variant.
Coding change: c.1056A>G on transcript NM_000264.5 (MANE Select); coding-DNA position 1056, A replaced by G.
Protein change: p.Gly352=; no amino-acid change (glycine 352 retained).
Molecular consequence: synonymous variant. On other transcripts: non-coding transcript variant (1).
Genome position (GRCh38, 1-based): chr9:95,479,980, T>C on the plus strand (A>G on the coding strand, the complement: PTCH1 is on the minus strand). VCF-style: chr9-95479980-T-C. GRCh37 (hg19) VCF-style: chr9-98242262-T-C.
Other names: c.1056A>G (NM_000264.3); c.858A>G, p.Gly286= (NM_001083602.3); c.1053A>G, p.Gly351= (NM_001083603.3); c.603A>G, p.Gly201= (NM_001083604.3, NM_001083605.3, NM_001083606.3 and 1 more transcripts); c.1056A>G, p.Gly352= (NM_001354918.2).
Identifiers: ClinVar variation 1001857 (VCV001001857.10), dbSNP rs1841396845, ClinGen allele CA466123053.